The following is an entry in ClinVar:

NM_000135.4(FANCA):c.580C>A (p.Gln194Lys)

Gene: FANCA (FA complementation group A; minus strand). Cytogenetic location: 16q24.3.
Variant type: single nucleotide variant.
Coding change: c.580C>A on transcript NM_000135.4 (MANE Select); coding-DNA position 580, C replaced by A.
Protein change: p.Gln194Lys; replaces glutamine 194 with lysine.
Molecular consequence: missense variant.
Genome position (GRCh38, 1-based): chr16:89,808,310, G>T on the plus strand (C>A on the coding strand, the complement: FANCA is on the minus strand). VCF-style: chr16-89808310-G-T. GRCh37 (hg19) VCF-style: chr16-89874718-G-T.
Other names: c.580C>A, p.Gln194Lys (NM_001018112.3, NM_001286167.3); c.484C>A, p.Gln162Lys (NM_001351830.2); short protein forms Q194K, Q162K.
Identifiers: ClinVar variation 4619229 (VCV004619229.1).

ClinVar aggregate classification (germline): Uncertain significance (1 of 4 stars; one submission).

Conditions:
Inborn genetic diseases. Identifiers: MedGen C0950123, MeSH D030342.

Submission:

Ambry Genetics
Classification: Uncertain significance for Inborn genetic diseases. Last evaluated: 2025-10-28. Review status: criteria provided, single submitter. Criteria: Ambry Variant Classification Scheme 2023. Collection method: clinical testing. Allele origin: germline.
Comment: The p.Q194K variant (also known as c.580C>A), located in coding exon 6 of the FANCA gene, results from a C to A substitution at nucleotide position 580. The glutamine at codon 194 is replaced by lysine, an amino acid with similar properties. This amino acid position is conserved. In addition, this alteration is predicted to be tolerated by in silico analysis. Based on the available evidence, the clinical significance of this variant remains unclear.